The following is an entry in ClinVar:

NM_194302.4(CFAP65):c.3624C>T (p.Asp1208=)

Genes: CFAP65 (cilia and flagella associated protein 65; minus strand), CFAP65-AS1 (CFAP65 antisense RNA 1; plus strand). Cytogenetic location: 2q35.
Variant type: single nucleotide variant.
Coding change: c.3624C>T on transcript NM_194302.4 (MANE Select); coding-DNA position 3624, C replaced by T.
Protein change: p.Asp1208=; no amino-acid change (aspartic acid 1208 retained).
Molecular consequence: synonymous variant. On other transcripts: non-coding transcript variant (1).
Genome position (GRCh38, 1-based): chr2:219,014,023, G>A on the plus strand (C>T on the coding strand, the complement: CFAP65 is on the minus strand). VCF-style: chr2-219014023-G-A. GRCh37 (hg19) VCF-style: chr2-219878745-G-A.
Identifiers: ClinVar variation 3389741 (VCV003389741.14).

ClinVar aggregate classification (germline): Likely benign (1 of 4 stars; one submission).

Submission:

CeGaT Center for Human Genetics Tuebingen
Classification: Likely benign. Last evaluated: 2024-09-01. Review status: criteria provided, single submitter. Criteria: CeGaT Center For Human Genetics Tuebingen Variant Classification Criteria Version 2. Collection method: clinical testing. Allele origin: germline. Affected: yes. Observed: 1 variant allele.
Comment: CFAP65: PM2:Supporting, BP4, BP7